The following is an entry in ClinVar:

ClinVar aggregate classification (germline): Uncertain significance (1 of 4 stars; one submission).

gnomAD v4.1: 20 of 1,611,798 alleles (0.0012%); highest among the groups gnomAD compares: Non-Finnish European, 0.0016%; no homozygotes.

Submission:

Athena Diagnostics
Classification: Uncertain significance. Last evaluated: 2025-08-22. Review status: criteria provided, single submitter. Criteria: Athena Diagnostics Criteria. Collection method: clinical testing. Allele origin: unknown.
Comment: Available data are insufficient to determine the clinical significance of the variant at this time. The frequency of this variant in the general population is uninformative in assessment of its pathogenicity. Polyphen and MutationTaster predict this amino acid change may be benign.

NM_014363.6(SACS):c.4244C>G (p.Ser1415Cys)

Gene: SACS (sacsin molecular chaperone; minus strand). Cytogenetic location: 13q12.12.
Variant type: single nucleotide variant.
Coding change: c.4244C>G on transcript NM_014363.6 (MANE Select); coding-DNA position 4244, C replaced by G.
Protein change: p.Ser1415Cys; replaces serine 1415 with cysteine.
Molecular consequence: missense variant.
Genome position (GRCh38, 1-based): chr13:23,339,632, G>C on the plus strand (C>G on the coding strand, the complement: SACS is on the minus strand). VCF-style: chr13-23339632-G-C. GRCh37 (hg19) VCF-style: chr13-23913771-G-C.
Other names: c.3803C>G, p.Ser1268Cys (NM_001278055.2); c.4271C>G, p.Ser1424Cys (NM_001437336.1); short protein forms S1268C, S1415C, S1424C.
Identifiers: ClinVar variation 4682284 (VCV004682284.1).